The following is an entry in ClinVar:

NM_173660.5(DOK7):c.1139C>G (p.Ala380Gly)

Gene: DOK7 (docking protein 7; plus strand). Cytogenetic location: 4p16.3.
Variant type: single nucleotide variant.
Coding change: c.1139C>G on transcript NM_173660.5 (MANE Select); coding-DNA position 1139, C replaced by G.
Protein change: p.Ala380Gly; replaces alanine 380 with glycine.
Molecular consequence: missense variant. On other transcripts: 3 prime UTR variant (1).
Genome position (GRCh38, 1-based): chr4:3,493,125, C>G. VCF-style: chr4-3493125-C-G. GRCh37 (hg19) VCF-style: chr4-3494852-C-G.
Other names: c.*360C>G (NM_001164673.2); c.209C>G, p.Ala70Gly (NM_001256896.2); c.1139C>G, p.Ala380Gly (NM_001301071.2); c.707C>G, p.Ala236Gly (NM_001363811.2); short protein forms A380G, A236G, A70G.
Identifiers: ClinVar variation 1422766 (VCV001422766.9), dbSNP rs766061571, ClinGen allele CA356117425.
Genomic context (GRCh38, chr4:3,493,125, plus strand): 5'-TGGACGTGTGGCGGGCCACAGATGAACTGGGCTCACTGCTCAGCCTGCCAGCAGCGGGGG[C>G]CCCCGAGCCCAGCCTGTGCACCTGCCTGCCCGGGACAGTCGAGTACCAGGTGCCCACCTC-3'
Protein context (NP_775931.3, residues 370-390): GSLLSLPAAG[Ala380Gly]PEPSLCTCLP

ClinVar aggregate classification (germline): Uncertain significance (1 of 4 stars; one submission).

Conditions:
Congenital myasthenic syndrome 10. Also called: Myasthenia, limb-girdle, familial. Identifiers: Orphanet 590, MedGen C1850792, MONDO:0009690, OMIM 254300.
Fetal akinesia deformation sequence 1 (FADS1). Also called: Pena-Shokeir syndrome type I; Fetal akinesia sequence. Identifiers: Orphanet 994, MedGen C1276035, MONDO:0100101, OMIM 208150, HP:0001989.

Submission:

Labcorp Genetics (formerly Invitae), Labcorp
Classification: Uncertain significance for Congenital myasthenic syndrome 10; Fetal akinesia deformation sequence 1. Last evaluated: 2022-08-09. Review status: criteria provided, single submitter. Criteria: Invitae Variant Classification Sherloc (09022015). Collection method: clinical testing. Allele origin: germline.
Comment: This sequence change replaces alanine, which is neutral and non-polar, with glycine, which is neutral and non-polar, at codon 380 of the DOK7 protein (p.Ala380Gly). This variant is present in population databases (no rsID available, gnomAD 0.007%). This variant has not been reported in the literature in individuals affected with DOK7-related conditions. ClinVar contains an entry for this variant (Variation ID: 1422766). Algorithms developed to predict the effect of missense changes on protein structure and function output the following: SIFT: "Tolerated"; PolyPhen-2: "Benign"; Align-GVGD: "Class C0". The glycine amino acid residue is found in multiple mammalian species, which suggests that this missense change does not adversely affect protein function. In summary, the available evidence is currently insufficient to determine the role of this variant in disease. Therefore, it has been classified as a Variant of Uncertain Significance.